The following is an entry in ClinVar:

NM_014795.4(ZEB2):c.592+6G>A

Genes: ZEB2 (zinc finger E-box binding homeobox 2; minus strand), LOC111721705 (skeletal muscle cis-regulatory module overlapping ZEB2; plus strand). Cytogenetic location: 2q22.3.
Variant type: single nucleotide variant.
Coding change: c.592+6G>A on transcript NM_014795.4 (MANE Select); 6 bases into the intron after coding-DNA position 592, G replaced by A.
Molecular consequence: intron variant.
Genome position (GRCh38, 1-based): chr2:144,404,830, C>T on the plus strand (G>A on the coding strand, the complement: ZEB2 is on the minus strand). VCF-style: chr2-144404830-C-T. GRCh37 (hg19) VCF-style: chr2-145162397-C-T.
Other names: c.520+6G>A (NM_001171653.2).
Identifiers: ClinVar variation 3046616 (VCV003046616.4), dbSNP rs767452916, ClinGen allele CA1294887581.

ClinVar aggregate classification (germline): Benign. Review status: criteria provided, single submitter (1 of 4 stars). 2 submissions from 2 submitters: Benign (1). 1 of the submissions does not count toward it. Last evaluated 2024-10-22.

Conditions:
ZEB2-related disorder. Also called: ZEB2-related condition.
Mowat-Wilson syndrome (MOWS). Also called: Classic Mowat-Wilson Syndrome. Identifiers: Orphanet 2152, MedGen C1856113, MONDO:0009341, OMIM 235730.

gnomAD v4.1: 1 of 1,613,578 alleles (0.000062%); highest among the groups gnomAD compares: Non-Finnish European, 0.000085%; no homozygotes.

Submissions (2):

Labcorp Genetics (formerly Invitae), Labcorp
Classification: Benign for Mowat-Wilson syndrome. Last evaluated: 2024-10-22. Review status: criteria provided, single submitter. Criteria: Invitae Variant Classification Sherloc (09022015). Collection method: clinical testing. Allele origin: germline.

PreventionGenetics, part of Exact Sciences
Classification: Likely benign for ZEB2-related condition. Last evaluated: 2020-10-06. Review status: no assertion criteria provided. Collection method: clinical testing. Allele origin: germline. Not counted in ClinVar's aggregate classification.
Comment: This variant is classified as likely benign based on ACMG/AMP sequence variant interpretation guidelines (Richards et al. 2015 PMID: 25741868, with internal and published modifications).